The following is an entry in ClinVar:

ClinVar aggregate classification (germline): Pathogenic (1 of 4 stars; one submission).

Allele frequency attached by ClinVar (database versions not stated): TOPMed below 0.00001; gnomAD 0.00001.

Submission:

Labcorp Genetics (formerly Invitae), Labcorp
Classification: Pathogenic. Last evaluated: 2021-03-22. Review status: criteria provided, single submitter. Criteria: Invitae Variant Classification Sherloc (09022015). Collection method: clinical testing. Allele origin: germline.
Comment: Loss-of-function variants in TMEM260 are known to be pathogenic (PMID: 28318500). For these reasons, this variant has been classified as Pathogenic. This variant has not been reported in the literature in individuals with TMEM260-related disease. This sequence change creates a premature translational stop signal (p.Gln256Profs*21) in the TMEM260 gene. It is expected to result in an absent or disrupted protein product. This variant is not present in population databases (ExAC no frequency).

Literature cited by the submitters: PubMed 28318500.

NM_017799.4(TMEM260):c.766dup (p.Gln256fs)

Gene: TMEM260 (transmembrane protein 260; plus strand). Cytogenetic location: 14q22.3.
Variant type: Duplication.
Coding change: c.766dup on transcript NM_017799.4 (MANE Select); coding-DNA position 766, one base duplicated (C; older notation c.766dupC).
Protein change: p.Gln256fs; shifts the reading frame from glutamine 256.
Molecular consequence: frameshift variant.
Genome position (GRCh38, 1-based): chr14:56,609,235, C duplicated. VCF-style (leftmost placement, unchanged base first): chr14-56609234-G-GC. GRCh37 (hg19) VCF-style: chr14-57075952-G-GC.
Other names: short protein forms Q256fs.
Identifiers: ClinVar variation 1070500 (VCV001070500.7), dbSNP rs1385305489, ClinGen allele CA614732647.
Genomic context (GRCh38, chr14:56,609,234, plus strand): 5'-CCTTCCCATCTCATCTTACCTTAATCACGCCCGGTGGACCTGGGGAGACCAGACAACACT[G>GC]CAAGGATTTTTGACACATTTTCTCAGGGAAGAATATGGAACCTTCAGCCTGGTAAATTCA-3'